The following is an entry in ClinVar:

NM_000051.4(ATM):c.8152-10del

Genes: ATM (ATM serine/threonine kinase; plus strand), C11orf65 (chromosome 11 open reading frame 65; minus strand). Cytogenetic location: 11q22.3.
Variant type: Deletion.
Coding change: c.8152-10del on transcript NM_000051.4 (MANE Select); 10 bases into the intron before coding-DNA position 8152, one base deleted (T; older notation c.8152-10delT).
Molecular consequence: intron variant.
Genome position (GRCh38, 1-based): chr11:108,335,835, T deleted; the last of 2 consecutive T bases (chr11:108,335,834-108,335,835); deleting either gives the same sequence. VCF-style (leftmost placement, unchanged base first): chr11-108335833-AT-A. GRCh37 (hg19) VCF-style: chr11-108206560-AT-A.
Other names: c.8152-10del (NM_001351834.2); c.641-26763del (NM_001330368.2); c.695-542del (NM_001351110.2).
Identifiers: ClinVar variation 3254288 (VCV003254288.1), dbSNP rs2136690521.

ClinVar aggregate classification (germline): Likely benign (1 of 4 stars; one submission).

Conditions:
Familial cancer of breast. Also called: hereditary breast carcinoma; BREAST CANCER, FAMILIAL; Hereditary breast cancer. Identifiers: Orphanet 227535, MedGen C0346153, MONDO:0016419, OMIM 114480. Disease mechanism: loss of function.

Submission:

Myriad Genetics, Inc.
Classification: Likely benign for Familial cancer of breast. Last evaluated: 2024-06-18. Review status: criteria provided, single submitter. Criteria: Myriad Autosomal Dominant, Autosomal Recessive and X-Linked Classification Criteria (2023). Collection method: clinical testing. Allele origin: unknown.
Comment: This variant is considered likely benign. This variant is intronic and is not expected to impact mRNA splicing.